The following is an entry in ClinVar:

NM_198576.4(AGRN):c.1978C>T (p.Arg660Trp)

Gene: AGRN (agrin; plus strand). Cytogenetic location: 1p36.33.
Variant type: single nucleotide variant.
Coding change: c.1978C>T on transcript NM_198576.4 (MANE Select); coding-DNA position 1978, C replaced by T.
Protein change: p.Arg660Trp; replaces arginine 660 with tryptophan.
Molecular consequence: missense variant.
Genome position (GRCh38, 1-based): chr1:1,044,002, C>T. VCF-style: chr1-1044002-C-T. GRCh37 (hg19) VCF-style: chr1-979382-C-T.
Other names: c.1978C>T, p.Arg660Trp (NM_001305275.2); c.1663C>T, p.Arg555Trp (NM_001364727.2); c.1978C>T (NM_198576.3); short protein forms R555W, R660W.
Identifiers: ClinVar variation 1408541 (VCV001408541.8), dbSNP rs534519250, ClinGen allele CA508398.
Genomic context (GRCh38, chr1:1,044,002, plus strand): 5'-GGCAGTGCCTGCGAGCTACGGGAAGCCGCCTGCCTCCAGCAGACACAGATCGAGGAGGCC[C>T]GGGCAGGGCCGTGCGAGCAGGGTAGGCCGGGGGACGCTGGCGAAAACTGCTGGGCTCTGG-3'
Protein context (NP_940978.2, residues 650-670): CLQQTQIEEA[Arg660Trp]AGPCEQAECG

ClinVar aggregate classification (germline): Uncertain significance. Review status: criteria provided, multiple submitters, no conflicts (2 of 4 stars). 3 submissions from 3 submitters: Uncertain significance (3). Last evaluated 2025-10-23.

Conditions:
Inborn genetic diseases. Identifiers: MedGen C0950123, MeSH D030342.
Congenital myasthenic syndrome 8. Also called: Myasthenic syndrome, congenital, 8, with pre- and postsynaptic defects; MYASTHENIC SYNDROME, CONGENITAL, DUE TO AGRIN DEFICIENCY. Identifiers: Orphanet 590, MedGen C3808739, MONDO:0014052, OMIM 615120.

Allele frequency attached by ClinVar (database versions not stated): gnomAD 0.00001 and 0.00003; gnomAD exomes 0.00001 and 0.00002; ExAC 0.00002; TOPMed 0.00004; 1000 Genomes Project 30x 0.00031; 1000 Genomes Project 0.00040.
gnomAD v4.1: 12 of 1,607,474 alleles (0.00075%); highest among the groups gnomAD compares: African/African-American, 0.0053%; no homozygotes.

Submissions (3):

Ambry Genetics
Classification: Uncertain significance for Inborn genetic diseases. Last evaluated: 2025-10-23. Review status: criteria provided, single submitter. Criteria: Ambry Variant Classification Scheme 2023. Collection method: clinical testing. Allele origin: germline.

Women's Health and Genetics/Laboratory Corporation of America, LabCorp
Classification: Uncertain significance. Last evaluated: 2024-01-19. Review status: criteria provided, single submitter. Criteria: LabCorp Variant Classification Summary - May 2015. Collection method: clinical testing. Allele origin: germline.
Comment: Variant summary: AGRN c.1978C>T (p.Arg660Trp) results in a non-conservative amino acid change located in one of the Kazal repeat domains (IPR002350) of the encoded protein sequence. Three of five in-silico tools predict a benign effect of the variant on protein function. The variant allele was found at a frequency of 7.5e-06 in 1,600,508 control chromosomes (i.e. 12 carriers) in the gnomAD database (v4 dataset). To our knowledge, no occurrence of c.1978C>T in individuals affected with &phenotype& and no experimental evidence demonstrating its impact on protein function have been reported. ClinVar contains an entry for this variant (Variation ID: 1408541). Based on the evidence outlined above, the variant was classified as uncertain significance.

Labcorp Genetics (formerly Invitae), Labcorp
Classification: Uncertain significance for Congenital myasthenic syndrome 8. Last evaluated: 2021-08-02. Review status: criteria provided, single submitter. Criteria: Invitae Variant Classification Sherloc (09022015). Collection method: clinical testing. Allele origin: germline.
Comment: This sequence change replaces arginine with tryptophan at codon 660 of the AGRN protein (p.Arg660Trp). The arginine residue is moderately conserved and there is a moderate physicochemical difference between arginine and tryptophan. In summary, the available evidence is currently insufficient to determine the role of this variant in disease. Therefore, it has been classified as a Variant of Uncertain Significance. Algorithms developed to predict the effect of missense changes on protein structure and function are either unavailable or do not agree on the potential impact of this missense change (SIFT: "Deleterious"; PolyPhen-2: "Probably Damaging"; Align-GVGD: "Class C0"). This variant has not been reported in the literature in individuals affected with AGRN-related conditions. This variant is present in population databases (rs534519250, ExAC 0.03%).